The following is an entry in ClinVar:

ClinVar aggregate classification (germline): Uncertain significance. Review status: criteria provided, multiple submitters, no conflicts (2 of 4 stars). 2 submissions from 2 submitters: Uncertain significance (2). Last evaluated 2025-08-20.

Conditions:
Inborn genetic diseases. Identifiers: MedGen C0950123, MeSH D030342.

gnomAD v4.1: 1 of 1,579,742 alleles (0.000063%); highest among the groups gnomAD compares: African/African-American, 0.0014%; no homozygotes.

Submissions (2):

Ambry Genetics
Classification: Uncertain significance for Inborn genetic diseases. Last evaluated: 2025-08-20. Review status: criteria provided, single submitter. Criteria: Ambry Variant Classification Scheme 2023. Collection method: clinical testing. Allele origin: germline.

GeneDx
Classification: Uncertain significance. Last evaluated: 2024-05-06. Review status: criteria provided, single submitter. Criteria: GeneDx Variant Classification Process June 2021. Collection method: clinical testing. Allele origin: germline. Affected: yes.
Comment: Not observed at significant frequency in large population cohorts (gnomAD); In silico analysis indicates that this missense variant does not alter protein structure/function; Has not been previously published as pathogenic or benign to our knowledge

NM_002430.3(MN1):c.2696G>C (p.Ser899Thr)

Gene: MN1 (MN1 proto-oncogene, transcriptional regulator; minus strand). Cytogenetic location: 22q12.1.
Variant type: single nucleotide variant.
Coding change: c.2696G>C on transcript NM_002430.3 (MANE Select); coding-DNA position 2696, G replaced by C.
Protein change: p.Ser899Thr; replaces serine 899 with threonine.
Molecular consequence: missense variant.
Genome position (GRCh38, 1-based): chr22:27,797,848, C>G on the plus strand (G>C on the coding strand, the complement: MN1 is on the minus strand). VCF-style: chr22-27797848-C-G. GRCh37 (hg19) VCF-style: chr22-28193836-C-G.
Other names: short protein forms S899T.
Identifiers: ClinVar variation 3376011 (VCV003376011.2).